The following is an entry in ClinVar:

NM_017763.6(RNF43):c.1606G>T (p.Val536Leu)

Gene: RNF43 (ring finger protein 43; minus strand). Cytogenetic location: 17q22.
Variant type: single nucleotide variant.
Coding change: c.1606G>T on transcript NM_017763.6 (MANE Select); coding-DNA position 1606, G replaced by T.
Protein change: p.Val536Leu; replaces valine 536 with leucine.
Molecular consequence: missense variant.
Genome position (GRCh38, 1-based): chr17:58,358,170, C>A on the plus strand (G>T on the coding strand, the complement: RNF43 is on the minus strand). VCF-style: chr17-58358170-C-A. GRCh37 (hg19) VCF-style: chr17-56435531-C-A.
Other names: c.1606G>T (NM_017763.4); c.1606G>T, p.Val536Leu (NM_001305544.3); c.1225G>T, p.Val409Leu (NM_001305545.2); short protein forms V409L, V536L.
Identifiers: ClinVar variation 2678423 (VCV002678423.3), dbSNP rs773453980, ClinGen allele CA400329166.

ClinVar aggregate classification (germline): Uncertain significance. Review status: criteria provided, multiple submitters, no conflicts (2 of 4 stars). 3 submissions from 3 submitters: Uncertain significance (3). Last evaluated 2024-11-21.

Conditions:
Sessile serrated polyposis cancer syndrome (SSPCS). Identifiers: Orphanet 157798, MedGen C4310714, MONDO:0014919, OMIM 617108.

gnomAD v4.1: 1 of 1,612,564 alleles (0.000062%); highest among the groups gnomAD compares: Non-Finnish European, 0.000085%; no homozygotes.

Submissions (3):

Ambry Genetics
Classification: Uncertain significance. Last evaluated: 2024-11-21. Review status: criteria provided, single submitter. Criteria: Ambry Variant Classification Scheme 2023. Collection method: clinical testing. Allele origin: germline.
Comment: The p.V536L variant (also known as c.1606G>T), located in coding exon 8 of the RNF43 gene, results from a G to T substitution at nucleotide position 1606. The valine at codon 536 is replaced by leucine, an amino acid with highly similar properties. This amino acid position is conserved. In addition, this alteration is predicted to be tolerated by in silico analysis. Based on the available evidence, the clinical significance of this variant remains unclear.

GeneDx
Classification: Uncertain significance. Last evaluated: 2024-01-08. Review status: criteria provided, single submitter. Criteria: GeneDx Variant Classification Process June 2021. Collection method: clinical testing. Allele origin: germline. Affected: yes.
Comment: Not observed at significant frequency in large population cohorts (gnomAD); In silico analysis supports that this missense variant does not alter protein structure/function; Has not been previously published as pathogenic or benign to our knowledge; Variants in candidate genes are classified as variants of uncertain significance in accordance with ACMG guidelines (PMID: 25741868)

Baylor Genetics
Classification: Uncertain significance for Sessile serrated polyposis cancer syndrome. Last evaluated: 2023-06-01. Review status: criteria provided, single submitter. Criteria: ACMG Guidelines, 2015. Collection method: clinical testing. Allele origin: unknown.